The following is an entry in ClinVar:

ClinVar aggregate classification (germline): Benign/Likely benign. Review status: criteria provided, multiple submitters, no conflicts (2 of 4 stars). 3 submissions from 3 submitters: Benign (1); Likely benign (2). Last evaluated 2026-01-17.

Conditions:
UBE3B-related disorder. Also called: UBE3B-related condition.

Allele frequency attached by ClinVar (database versions not stated): TOPMed 0.00018; gnomAD 0.00030; gnomAD exomes 0.00036; ExAC 0.00052; 1000 Genomes Project 30x 0.00219; 1000 Genomes Project 0.00220.
gnomAD v4.1: 592 of 1,614,124 alleles (0.037%); highest among the groups gnomAD compares: East Asian, 1%; 7 homozygotes.

Submissions (3):

Labcorp Genetics (formerly Invitae), Labcorp
Classification: Benign. Last evaluated: 2026-01-17. Review status: criteria provided, single submitter. Criteria: Invitae Variant Classification Sherloc (09022015). Collection method: clinical testing. Allele origin: germline.

PreventionGenetics, part of Exact Sciences
Classification: Likely benign for UBE3B-related condition. Last evaluated: 2025-03-24. Review status: criteria provided, single submitter. Criteria: ACMG Guidelines, 2015. Collection method: clinical testing. Allele origin: germline.
Comment: This variant is classified as likely benign based on ACMG/AMP sequence variant interpretation guidelines (Richards et al. 2015 PMID: 25741868, with internal and published modifications).

Blueprint Genetics
Classification: Likely benign. Last evaluated: 2024-10-03. Review status: criteria provided, single submitter. Criteria: ACMG Guidelines, 2015. Collection method: clinical testing. Allele origin: germline.

NM_130466.4(UBE3B):c.1890C>T (p.Leu630=)

Gene: UBE3B (ubiquitin protein ligase E3B; plus strand). Cytogenetic location: 12q24.11.
Variant type: single nucleotide variant.
Coding change: c.1890C>T on transcript NM_130466.4 (MANE Select); coding-DNA position 1890, C replaced by T.
Protein change: p.Leu630=; no amino-acid change (leucine 630 retained).
Molecular consequence: synonymous variant.
Genome position (GRCh38, 1-based): chr12:109,511,237, C>T. VCF-style: chr12-109511237-C-T. GRCh37 (hg19) VCF-style: chr12-109949042-C-T.
Other names: c.1890C>T, p.Leu630= (NM_183415.3); c.1890C>T (NM_130466.3).
Identifiers: ClinVar variation 2427825 (VCV002427825.9), dbSNP rs3742019, ClinGen allele CA6778030.
Genomic context (GRCh38, chr12:109,511,237, plus strand): 5'-TCCCAAACCCATGTCTTTCTTCTCAAGGGATCTCAAACCTAGCGTGCTCTTCCAAGAACT[C>T]GACAGGGACAGAAAACGGGCACAGTTGATCCTGCAGTACATCCCACATGTCATCCCTCAC-3'
Protein context (NP_569733.2, residues 620-640): DLKPSVLFQE[Leu630=]DRDRKRAQLI